The following is an entry in ClinVar:

NM_173648.4(CCDC141):c.1293G>C (p.Met431Ile)

Gene: CCDC141 (coiled-coil domain containing 141; minus strand). Cytogenetic location: 2q31.2.
Variant type: single nucleotide variant.
Coding change: c.1293G>C on transcript NM_173648.4 (MANE Select); coding-DNA position 1293, G replaced by C.
Protein change: p.Met431Ile; replaces methionine 431 with isoleucine.
Molecular consequence: missense variant.
Genome position (GRCh38, 1-based): chr2:178,888,641, C>G on the plus strand (G>C on the coding strand, the complement: CCDC141 is on the minus strand). VCF-style: chr2-178888641-C-G. GRCh37 (hg19) VCF-style: chr2-179753368-C-G.
Other names: c.1293G>C, p.Met431Ile (NM_001316745.2); short protein forms M431I.
Identifiers: ClinVar variation 2215440 (VCV002215440.3), dbSNP rs917154909, ClinGen allele CA61009122.

ClinVar aggregate classification (germline): Uncertain significance. Review status: criteria provided, multiple submitters, no conflicts (2 of 4 stars). 2 submissions from 2 submitters: Uncertain significance (2). Last evaluated 2025-08-02.

gnomAD v4.1: 99 of 1,550,654 alleles (0.0064%); highest among the groups gnomAD compares: Non-Finnish European, 0.0083%; no homozygotes.

Submissions (2):

Labcorp Genetics (formerly Invitae), Labcorp
Classification: Uncertain significance. Last evaluated: 2025-08-02. Review status: criteria provided, single submitter. Criteria: Invitae Variant Classification Sherloc (09022015). Collection method: clinical testing. Allele origin: germline.
Comment: This sequence change replaces methionine, which is neutral and non-polar, with isoleucine, which is neutral and non-polar, at codon 431 of the CCDC141 protein (p.Met431Ile). The frequency data for this variant in the population databases is considered unreliable, as metrics indicate poor data quality at this position in the gnomAD database. This variant has not been reported in the literature in individuals affected with CCDC141-related conditions. ClinVar contains an entry for this variant (Variation ID: 2215440). An algorithm developed to predict the effect of missense changes on protein structure and function outputs the following: PolyPhen-2: "Benign". The isoleucine amino acid residue is found in multiple mammalian species, which suggests that this missense change does not adversely affect protein function. In summary, the available evidence is currently insufficient to determine the role of this variant in disease. Therefore, it has been classified as a Variant of Uncertain Significance.

Ambry Genetics
Classification: Uncertain significance. Last evaluated: 2022-12-01. Review status: criteria provided, single submitter. Criteria: Ambry Variant Classification Scheme 2023. Collection method: clinical testing. Allele origin: germline.